The following is an entry in ClinVar:

ClinVar aggregate classification (germline): Pathogenic (1 of 4 stars; one submission).

Conditions:
Gastrointestinal stromal tumor. Also called: Gastrointestinal stromal tumor, somatic; Gastrointestinal stroma tumor. Identifiers: Orphanet 44890, MedGen C0238198, MeSH D046152, MONDO:0011719, OMIM 606764, HP:0100723.

Submission:

Labcorp Genetics (formerly Invitae), Labcorp
Classification: Pathogenic for Gastrointestinal stromal tumor. Last evaluated: 2023-09-30. Review status: criteria provided, single submitter. Criteria: Invitae Variant Classification Sherloc (09022015). Collection method: clinical testing. Allele origin: germline.
Comment: For these reasons, this variant has been classified as Pathogenic. This variant has not been reported in the literature in individuals affected with KIT-related conditions. This variant is not present in population databases (gnomAD no frequency). This sequence change creates a premature translational stop signal (p.Val29Glufs*26) in the KIT gene. It is expected to result in an absent or disrupted protein product. Loss-of-function variants in KIT are known to be pathogenic (PMID: 15194144).

Literature cited by the submitters: PubMed 15194144.

NM_000222.3(KIT):c.86_87del (p.Val29fs)

Gene: KIT (KIT proto-oncogene, receptor tyrosine kinase; plus strand). Cytogenetic location: 4q12.
Variant type: Microsatellite.
Coding change: c.86_87del on transcript NM_000222.3 (MANE Select); coding-DNA positions 86 to 87, 2 bases deleted (TG; older notation c.86_87delTG).
Protein change: p.Val29fs; shifts the reading frame from valine 29.
Molecular consequence: frameshift variant.
Genome position (GRCh38, 1-based): chr4:54,695,530-54,695,531, TG deleted; deleting any 2 consecutive bases within chr4:54,695,528-54,695,531 gives the same sequence; the c. name uses the placement nearest the transcript's 3' end. VCF-style (leftmost placement, unchanged base first): chr4-54695527-CTG-C. GRCh37 (hg19) VCF-style: chr4-55561693-CTG-C.
Other names: c.86_87del, p.Val29fs (NM_001385290.1, NM_001385292.1, NM_001093772.2 and 4 more transcripts); short protein forms V29fs.
Identifiers: ClinVar variation 2757884 (VCV002757884.3), dbSNP rs2475440056, ClinGen allele CA2697546715.